The following is an entry in ClinVar:

ClinVar aggregate classification (germline): Pathogenic (1 of 4 stars; one submission).

Conditions:
Alport syndrome. Also called: Hemorrhagic familial nephritis; Hemorrhagic hereditary nephritis; Congenital hereditary hematuria. Identifiers: Orphanet 63, MedGen C1567741, MONDO:0018965.

Submission:

Myriad Genetics, Inc.
Classification: Pathogenic for Alport syndrome. Last evaluated: 2025-05-12. Review status: criteria provided, single submitter. Criteria: Myriad Autosomal Dominant, Autosomal Recessive and X-Linked Classification Criteria (2023). Collection method: clinical testing. Allele origin: unknown.
Comment: NM_000091.4(COL4A3):c.4306_4313del8(G1436Cfs*71) is expected to be pathogenic in the context of Alport syndrome, COL4A3-related. This variant is predicted to lead to an abnormal or absent protein product due to the creation of a premature termination codon in COL4A3, a gene where loss-of-function variants are known to be pathogenic. Please note: this variant was assessed in the context of healthy population screening.

NM_000091.5(COL4A3):c.4306_4313del (p.Gly1436fs)

Genes: COL4A3 (collagen type IV alpha 3 chain; plus strand), MFF-DT (MFF divergent transcript; minus strand). Cytogenetic location: 2q36.3.
Variant type: Deletion.
Coding change: c.4306_4313del on transcript NM_000091.5 (MANE Select); coding-DNA positions 4306 to 4313, 8 bases deleted (GGATCACC; older notation c.4306_4313delGGATCACC).
Protein change: p.Gly1436fs; shifts the reading frame from glycine 1436.
Molecular consequence: frameshift variant.
Genome position (GRCh38, 1-based): chr2:227,307,763-227,307,770, GGATCACC deleted. VCF-style (leftmost placement, unchanged base first): chr2-227307762-TGGATCACC-T. GRCh37 (hg19) VCF-style: chr2-228172478-TGGATCACC-T.
Other names: short protein forms G1436fs.
Identifiers: ClinVar variation 5014428 (VCV005014428.1).